The following is an entry in ClinVar:

ClinVar aggregate classification (germline): Benign/Likely benign. Review status: criteria provided, multiple submitters, no conflicts (2 of 4 stars). 2 submissions from 2 submitters: Benign (1); Likely benign (1). Last evaluated 2026-04-24.

Conditions:
Colorectal cancer, susceptibility to, 1. Also called: COLORECTAL ADENOMA AND CANCER, SUSCEPTIBILITY TO; COLORECTAL CANCER, SUSCEPTIBILITY TO, ON CHROMOSOME 9. Identifiers: MedGen C1837315, MONDO:0012132, OMIM 608812.

gnomAD v4.1: 1 of 1,600,284 alleles (0.000062%); no homozygotes.

Submissions (2):

Myriad Genetics, Inc.
Classification: Benign for Colorectal cancer, susceptibility to, 1. Last evaluated: 2026-04-24. Review status: criteria provided, single submitter. Criteria: Myriad Autosomal Dominant, Autosomal Recessive and X-Linked Classification Criteria (2023). Collection method: clinical testing. Allele origin: unknown.
Comment: This variant is considered benign. This variant is a silent/synonymous amino acid change and it is not expected to impact splicing.

Ambry Genetics
Classification: Likely benign. Last evaluated: 2022-03-24. Review status: criteria provided, single submitter. Criteria: Ambry Variant Classification Scheme 2023. Collection method: clinical testing. Allele origin: germline.

NM_024642.5(GALNT12):c.657G>T (p.Ala219=)

Gene: GALNT12 (polypeptide N-acetylgalactosaminyltransferase 12; plus strand). Cytogenetic location: 9q22.33.
Variant type: single nucleotide variant.
Coding change: c.657G>T on transcript NM_024642.5 (MANE Select); coding-DNA position 657, G replaced by T.
Protein change: p.Ala219=; no amino-acid change (alanine 219 retained).
Molecular consequence: synonymous variant.
Genome position (GRCh38, 1-based): chr9:98,826,867, G>T. VCF-style: chr9-98826867-G-T. GRCh37 (hg19) VCF-style: chr9-101589149-G-T.
Identifiers: ClinVar variation 1754303 (VCV001754303.3), dbSNP rs376494512, ClinGen allele CA466423819.